The following is an entry in ClinVar:

ClinVar aggregate classification (germline): Benign (1 of 4 stars; one submission).

Conditions:
Melanoma-pancreatic cancer syndrome. Identifiers: Orphanet 404560, MedGen C1838547, MONDO:0011713, OMIM 606719. Disease mechanism: loss of function.

Submission:

Myriad Genetics, Inc.
Classification: Benign for Melanoma-pancreatic cancer syndrome. Last evaluated: 2025-08-18. Review status: criteria provided, single submitter. Criteria: Myriad Autosomal Dominant, Autosomal Recessive and X-Linked Classification Criteria (2023). Collection method: clinical testing. Allele origin: unknown.
Comment: This variant is considered benign. This variant is intronic and is not expected to impact mRNA splicing.

NM_000077.5(CDKN2A):c.458-44T>G

Gene: CDKN2A (cyclin dependent kinase inhibitor 2A; minus strand). Cytogenetic location: 9p21.3.
Variant type: single nucleotide variant.
Coding change: c.458-44T>G on transcript NM_000077.5 (MANE Select); 44 bases into the intron before coding-DNA position 458, T replaced by G.
Molecular consequence: intron variant.
Genome position (GRCh38, 1-based): chr9:21,968,286, A>C on the plus strand (T>G on the coding strand, the complement: CDKN2A is on the minus strand). VCF-style: chr9-21968286-A-C. GRCh37 (hg19) VCF-style: chr9-21968285-A-C.
Other names: c.305-44T>G (NM_001363763.2); c.*102-44T>G (NM_058195.4); c.*151-44T>G (NM_001195132.2); c.*381-44T>G (NM_058197.5).
Identifiers: ClinVar variation 4294210 (VCV004294210.1).